The following is an entry in ClinVar:

NM_003995.4(NPR2):c.1484G>T (p.Arg495Leu)

Gene: NPR2 (natriuretic peptide receptor 2; plus strand). Cytogenetic location: 9p13.3.
Variant type: single nucleotide variant.
Coding change: c.1484G>T on transcript NM_003995.4 (MANE Select); coding-DNA position 1484, G replaced by T.
Protein change: p.Arg495Leu; replaces arginine 495 with leucine.
Molecular consequence: missense variant.
Genome position (GRCh38, 1-based): chr9:35,801,690, G>T. VCF-style: chr9-35801690-G-T. GRCh37 (hg19) VCF-style: chr9-35801687-G-T.
Other names: c.1493G>T, p.Arg498Leu (NM_001378923.1); short protein forms R495L, R498L.
Identifiers: ClinVar variation 3763328 (VCV003763328.2).

ClinVar aggregate classification (germline): Uncertain significance (1 of 4 stars; one submission).

Conditions:
Acromesomelic dysplasia 1, Maroteaux type (AMD1). Also called: ST. HELENA DYSPLASIA; ACROMESOMELIC DYSPLASIA 1. Identifiers: Orphanet 40, MedGen C1864356, MONDO:0011275, OMIM 602875.
Tall stature-scoliosis-macrodactyly of the great toes syndrome. Also called: Epiphyseal chondrodysplasia, miura type. Identifiers: Orphanet 329191, MedGen C4014690, MONDO:0014401, OMIM 615923.

gnomAD v4.1: 1 of 1,614,130 alleles (0.000062%); highest among the groups gnomAD compares: Non-Finnish European, 0.000085%; no homozygotes.

Submission:

Labcorp Genetics (formerly Invitae), Labcorp
Classification: Uncertain significance for Tall stature-scoliosis-macrodactyly of the great toes syndrome; Acromesomelic dysplasia 1, Maroteaux type. Last evaluated: 2024-12-23. Review status: criteria provided, single submitter. Criteria: Invitae Variant Classification Sherloc (09022015). Collection method: clinical testing. Allele origin: germline.
Comment: This sequence change replaces arginine, which is basic and polar, with leucine, which is neutral and non-polar, at codon 495 of the NPR2 protein (p.Arg495Leu). This variant is not present in population databases (gnomAD no frequency). This variant has not been reported in the literature in individuals affected with NPR2-related conditions. Invitae Evidence Modeling of protein sequence and biophysical properties (such as structural, functional, and spatial information, amino acid conservation, physicochemical variation, residue mobility, and thermodynamic stability) indicates that this missense variant is not expected to disrupt NPR2 protein function with a negative predictive value of 80%. In summary, the available evidence is currently insufficient to determine the role of this variant in disease. Therefore, it has been classified as a Variant of Uncertain Significance.